The following is an entry in ClinVar:

ClinVar aggregate classification (germline): Benign (1 of 4 stars; one submission).

Submission:

GeneDx
Classification: Benign. Last evaluated: 2018-06-16. Review status: criteria provided, single submitter. Criteria: GeneDx Variant Classification (06012015). Collection method: clinical testing. Allele origin: germline. Affected: yes.
Comment: This variant is considered likely benign or benign based on one or more of the following criteria: it is a conservative change, it occurs at a poorly conserved position in the protein, it is predicted to be benign by multiple in silico algorithms, and/or has population frequency not consistent with disease.

NM_005677.4(COLQ):c.718-217_718-216insAGGAC

Gene: COLQ (collagen like tail subunit of asymmetric acetylcholinesterase; minus strand). Cytogenetic location: 3p25.1.
Variant type: Insertion.
Coding change: c.718-217_718-216insAGGAC on transcript NM_005677.4 (MANE Select); 217 bases into the intron before coding-DNA position 718 through 216 bases into the intron before coding-DNA position 718, AGGAC inserted.
Molecular consequence: intron variant.
Genome position: GRCh38 VCF-style: chr3-15466653-T-TCTGTC. GRCh37 (hg19) VCF-style: chr3-15508160-T-TCTGTC.
Other names: c.616-217_616-216insAGGAC (NM_080539.4); c.688-217_688-216insAGGAC (NM_080538.2).
Identifiers: ClinVar variation 679259 (VCV000679259.1), dbSNP rs10676390, ClinGen allele CA70608605.
Genomic context (GRCh38, chr3:15,466,653, plus strand): 5'-CTTAGGGCAAGTGACATTTGAGATAGTGATGGCTACAAATTTGTAGACCTTAGTTCTTGC[T>TCTGTC]CTACAAATGTGGCACATGGCAGCTGAAAGGAACCAGTCAAATCTACTCTAGGCCCTGGGC-3'